The following is an entry in ClinVar:

NM_001378457.1(DMXL2):c.8024C>T (p.Ala2675Val)

Gene: DMXL2 (Dmx like 2; minus strand). Cytogenetic location: 15q21.2.
Variant type: single nucleotide variant.
Coding change: c.8024C>T on transcript NM_001378457.1 (MANE Select); coding-DNA position 8024, C replaced by T.
Protein change: p.Ala2675Val; replaces alanine 2675 with valine.
Molecular consequence: missense variant. On other transcripts: non-coding transcript variant (2).
Genome position (GRCh38, 1-based): chr15:51,458,761, G>A on the plus strand (C>T on the coding strand, the complement: DMXL2 is on the minus strand). VCF-style: chr15-51458761-G-A. GRCh37 (hg19) VCF-style: chr15-51750958-G-A.
Other names: c.7961C>T, p.Ala2654Val (NM_001174116.3); c.6050C>T, p.Ala2017Val (NM_001174117.3); c.8021C>T, p.Ala2674Val (NM_001378458.1); c.7736C>T, p.Ala2579Val (NM_001378459.1); c.5939C>T, p.Ala1980Val (NM_001378460.1); c.7958C>T, p.Ala2653Val (NM_015263.5); short protein forms A1980V, A2017V, A2579V, A2653V, A2654V, A2674V, A2675V.
Identifiers: ClinVar variation 1690930 (VCV001690930.2), dbSNP rs2140235964, ClinGen allele CA392437463.

ClinVar aggregate classification (germline): Uncertain significance (1 of 4 stars; one submission).

Allele frequency attached by ClinVar (database versions not stated): gnomAD exomes below 0.00001.
gnomAD v4.1: 3 of 1,613,876 alleles (0.00019%); highest among the groups gnomAD compares: Non-Finnish European, 0.00025%; no homozygotes.

Submission:

Laboratorio de Genetica e Diagnostico Molecular, Hospital Israelita Albert Einstein
Classification: Uncertain significance. Last evaluated: 2020-09-02. Review status: criteria provided, single submitter. Criteria: ACMG Guidelines, 2015. Collection method: clinical testing. Allele origin: germline. Affected: yes.
Comment: ACMG classification criteria: PM2, BP4